The following is an entry in ClinVar:

NM_144599.5(NIPA1):c.*3393A>T

Gene: NIPA1 (NIPA magnesium transporter 1; plus strand). Cytogenetic location: 15q11.2.
Variant type: single nucleotide variant.
Coding change: c.*3393A>T on transcript NM_144599.5 (MANE Select); 3393 bases downstream of the stop codon, A replaced by T.
Molecular consequence: 3 prime UTR variant.
Genome position (GRCh38, 1-based): chr15:22,827,632, A>T. VCF-style: chr15-22827632-A-T. GRCh37 (hg19) VCF-style: chr15-23045436-T-A.
Other names: c.*3393A>T (NM_001142275.1).
Identifiers: ClinVar variation 315361 (VCV000315361.5), dbSNP rs147611065, ClinGen allele CA10645582.
Genomic context (GRCh38, chr15:22,827,632, plus strand): 5'-TTCTTTCAATTCCTGCTCTTCAAGCCAATTTACTACACCCAGTTGTCTTTCCAGAAGTTC[A>T]TCCCAGCGGTAATATGTTGGTGTTTGTTCTTCTTTGGATTTCACATCTGTTTTCTGGTAG-3'

ClinVar aggregate classification (germline): Benign (1 of 4 stars; one submission).

Conditions:
Hereditary spastic paraplegia 6 (SPG6). Also called: SPASTIC PARAPLEGIA 6, AUTOSOMAL DOMINANT. Identifiers: Orphanet 100988, MedGen C1838192, MONDO:0010878, OMIM 600363.

Allele frequency attached by ClinVar (database versions not stated): gnomAD 0.00409 and 0.00427; TOPMed 0.00814; 1000 Genomes Project 0.00978; 1000 Genomes Project 30x 0.01077.

Submission:

Illumina Laboratory Services, Illumina
Classification: Benign for Hereditary spastic paraplegia 6. Last evaluated: 2018-01-13. Review status: criteria provided, single submitter. Criteria: ICSL Variant Classification Criteria 13 December 2019. Collection method: clinical testing. Allele origin: germline.
Comment: This variant was observed in the ICSL laboratory as part of a predisposition screen in an ostensibly healthy population. It had not been previously curated by ICSL or reported in the Human Gene Mutation Database (HGMD: prior to June 1st, 2018), and was therefore a candidate for classification through an automated scoring system. Utilizing variant allele frequency, disease prevalence and penetrance estimates, and inheritance mode, an automated score was calculated to assess if this variant is too frequent to cause the disease. Based on the score and internal cut-off values, a variant classified as benign is not then subjected to further curation. The score for this variant resulted in a classification of benign for this disease.